The following is an entry in ClinVar:

ClinVar aggregate classification (germline): Uncertain significance (1 of 4 stars; one submission).

Allele frequency attached by ClinVar (database versions not stated): gnomAD 0.00001; gnomAD exomes 0.00001 and 0.00002; ExAC 0.00002; TOPMed 0.00002.
gnomAD v4.1: 8 of 1,613,854 alleles (0.0005%); highest among the groups gnomAD compares: Admixed American, 0.0033%; no homozygotes.

Submission:

Labcorp Genetics (formerly Invitae), Labcorp
Classification: Uncertain significance. Last evaluated: 2024-10-29. Review status: criteria provided, single submitter. Criteria: Invitae Variant Classification Sherloc (09022015). Collection method: clinical testing. Allele origin: germline.
Comment: This sequence change replaces glutamic acid, which is acidic and polar, with lysine, which is basic and polar, at codon 104 of the IFNAR2 protein (p.Glu104Lys). This variant is present in population databases (rs770432974, gnomAD 0.006%). This variant has not been reported in the literature in individuals affected with IFNAR2-related conditions. ClinVar contains an entry for this variant (Variation ID: 1492083). An algorithm developed to predict the effect of missense changes on protein structure and function (PolyPhen-2) suggests that this variant is likely to be disruptive. In summary, the available evidence is currently insufficient to determine the role of this variant in disease. Therefore, it has been classified as a Variant of Uncertain Significance.

NM_001289125.3(IFNAR2):c.310G>A (p.Glu104Lys)

Genes: IFNAR2 (interferon alpha and beta receptor subunit 2; plus strand), IFNAR2-IL10RB (IFNAR2-IL10RB readthrough; plus strand). Cytogenetic location: 21q22.11.
Variant type: single nucleotide variant.
Coding change: c.310G>A on transcript NM_001289125.3 (MANE Select); coding-DNA position 310, G replaced by A.
Protein change: p.Glu104Lys; replaces glutamic acid 104 with lysine.
Molecular consequence: missense variant.
Genome position (GRCh38, 1-based): chr21:33,246,806, G>A. VCF-style: chr21-33246806-G-A. GRCh37 (hg19) VCF-style: chr21-34619111-G-A.
Other names: c.310G>A, p.Glu104Lys (NM_000874.5, NM_001289126.2, NM_001289128.2 and 4 more transcripts); short protein forms E104K.
Identifiers: ClinVar variation 1492083 (VCV001492083.7), dbSNP rs770432974, ClinGen allele CA10005615.
Genomic context (GRCh38, chr21:33,246,806, plus strand): 5'-AACTGTGCAAATACCACAAGATCATTTTGTGACCTCACAGATGAGTGGAGAAGCACACAC[G>A]AGGCCTATGTCACCGTCCTAGAAGGATTCAGCGGGAACACAACGTTGTTCAGTTGCTCAC-3'
Protein context (NP_001276054.1, residues 94-114): DLTDEWRSTH[Glu104Lys]AYVTVLEGFS